The following is an entry in ClinVar:

NM_005216.5(DDOST):c.299G>A (p.Ser100Asn)

Gene: DDOST (dolichyl-diphosphooligosaccharide--protein glycosyltransferase non-catalytic subunit; minus strand). Cytogenetic location: 1p36.12.
Variant type: single nucleotide variant.
Coding change: c.299G>A on transcript NM_005216.5 (MANE Select); coding-DNA position 299, G replaced by A.
Protein change: p.Ser100Asn; replaces serine 100 with asparagine.
Molecular consequence: missense variant.
Genome position (GRCh38, 1-based): chr1:20,656,154, C>T on the plus strand (G>A on the coding strand, the complement: DDOST is on the minus strand). VCF-style: chr1-20656154-C-T. GRCh37 (hg19) VCF-style: chr1-20982647-C-T.
Other names: short protein forms S100N.
Identifiers: ClinVar variation 3080805 (VCV003080805.3), dbSNP rs2053370345, ClinGen allele CA338854031.

ClinVar aggregate classification (germline): Uncertain significance. Review status: criteria provided, multiple submitters, no conflicts (2 of 4 stars). 2 submissions from 2 submitters: Uncertain significance (2). Last evaluated 2025-10-22.

Conditions:
Congenital disorder of glycosylation type Ir (CDG1R). Also called: DDOST-congenital disorder of glycosylation. Identifiers: Orphanet 300536, MedGen C3281084, MONDO:0013789, OMIM 614507.

Allele frequency attached by ClinVar (database versions not stated): gnomAD exomes below 0.00001; TOPMed below 0.00001.
gnomAD v4.1: 5 of 1,614,202 alleles (0.00031%); highest among the groups gnomAD compares: Non-Finnish European, 0.00042%; no homozygotes.

Submissions (2):

Ambry Genetics
Classification: Uncertain significance. Last evaluated: 2025-10-22. Review status: criteria provided, single submitter. Criteria: Ambry Variant Classification Scheme 2023. Collection method: clinical testing. Allele origin: germline.

Labcorp Genetics (formerly Invitae), Labcorp
Classification: Uncertain significance for Congenital disorder of glycosylation type Ir. Last evaluated: 2025-05-13. Review status: criteria provided, single submitter. Criteria: Invitae Variant Classification Sherloc (09022015). Collection method: clinical testing. Allele origin: germline.
Comment: This sequence change replaces serine, which is neutral and polar, with asparagine, which is neutral and polar, at codon 117 of the DDOST protein (p.Ser117Asn). This variant is not present in population databases (gnomAD no frequency). This variant has not been reported in the literature in individuals affected with DDOST-related conditions. ClinVar contains an entry for this variant (Variation ID: 3080805). Invitae Evidence Modeling of protein sequence and biophysical properties (such as structural, functional, and spatial information, amino acid conservation, physicochemical variation, residue mobility, and thermodynamic stability) indicates that this missense variant is not expected to disrupt DDOST protein function with a negative predictive value of 80%. In summary, the available evidence is currently insufficient to determine the role of this variant in disease. Therefore, it has been classified as a Variant of Uncertain Significance.